The following is an entry in ClinVar:

NM_001159699.2(FHL1):c.205-57C>T

Gene: FHL1 (four and a half LIM domains 1; plus strand). Cytogenetic location: Xq26.3.
Variant type: single nucleotide variant.
Coding change: c.205-57C>T on transcript NM_001159699.2 (MANE Select); 57 bases into the intron before coding-DNA position 205, C replaced by T.
Molecular consequence: intron variant.
Genome position (GRCh38, 1-based): chrX:136,206,959, C>T. VCF-style: chrX-136206959-C-T. GRCh37 (hg19) VCF-style: chrX-135289118-C-T.
Other names: c.157-57C>T (NM_001159702.3, NM_001449.5, NM_001159703.2 and 9 more transcripts); c.244-57C>T (NM_001159701.2); c.205-57C>T (NM_001330659.2).
Identifiers: ClinVar variation 679824 (VCV000679824.2), dbSNP rs73633451, ClinGen allele CA336094186.

ClinVar aggregate classification (germline): Benign. Review status: criteria provided, multiple submitters, no conflicts (2 of 4 stars). 2 submissions from 2 submitters: Benign (2). Last evaluated 2018-06-16.

Allele frequency attached by ClinVar (database versions not stated): gnomAD 0.01626 and 0.01737; TOPMed 0.01917; 1000 Genomes Project 0.02199; 1000 Genomes Project 30x 0.02352.
gnomAD v4.1: 3,767 of 1,175,967 alleles (0.32%); highest among the groups gnomAD compares: African/African-American, 5.8%; 76 homozygotes.

Submissions (2):

GeneDx
Classification: Benign. Last evaluated: 2018-06-16. Review status: criteria provided, single submitter. Criteria: GeneDx Variant Classification (06012015). Collection method: clinical testing. Allele origin: germline. Affected: yes.
Comment: This variant is considered likely benign or benign based on one or more of the following criteria: it is a conservative change, it occurs at a poorly conserved position in the protein, it is predicted to be benign by multiple in silico algorithms, and/or has population frequency not consistent with disease.

Breakthrough Genomics
Classification: Benign. Review status: criteria provided, single submitter. Criteria: ACMG Guidelines, 2015. Collection method: not provided. Allele origin: germline. Inheritance: X-linked inheritance. Affected: yes.